The following is an entry in ClinVar:

ClinVar aggregate classification (germline): Pathogenic. Review status: reviewed by expert panel (3 of 4 stars). 2 submissions from 2 submitters: Pathogenic (1). 1 of the submissions does not count toward it. Last evaluated 2017-12-15.

Conditions:
Breast neoplasm. Also called: Breast Neoplasms; Neoplasm of the breast; Neoplasm of breast; Breast tumor. Identifiers: MedGen C1458155, MeSH D001943, MONDO:0021100, HP:0100013. Disease mechanism: gain of function.
Breast-ovarian cancer, familial, susceptibility to, 1 (BROVCA1). Also called: BRCA1 Hereditary Breast and Ovarian Cancer; OVARIAN CANCER, SUSCEPTIBILITY TO. Identifiers: Orphanet 145, MedGen C2676676, MONDO:0011450, OMIM 604370. Disease mechanism: loss of function.

Submissions (2):

Evidence-based Network for the Interpretation of Germline Mutant Alleles (ENIGMA)
Classification: Pathogenic for Breast-ovarian cancer, familial, susceptibility to, 1. Last evaluated: 2017-12-15. Review status: reviewed by expert panel. Criteria: ENIGMA BRCA1/2 Classification Criteria (2017-06-29). Collection method: curation. Allele origin: germline. Study: ENIGMA.
Comment: Variant allele predicted to encode a truncated non-functional protein.

Laboratory of Molecular Diagnosis of Cancer, West China Hospital, Sichuan University
Classification: Pathogenic for Breast neoplasm. Last evaluated: 2015-11-01. Review status: criteria provided, single submitter. Criteria: ACMG Guidelines, 2015. Collection method: research. Allele origin: germline. Affected: yes. Observed: 1 variant allele. Not counted in ClinVar's aggregate classification.

Literature cited by the submitters: PubMed 27257965 (cited by Laboratory of Molecular Diagnosis of Cancer, West China Hospital, Sichuan University).

NM_007294.4(BRCA1):c.519del (p.Gln174fs)

Gene: BRCA1 (BRCA1 DNA repair associated; minus strand). Cytogenetic location: 17q21.31.
Variant type: Deletion.
Coding change: c.519del on transcript NM_007294.4 (MANE Select); coding-DNA position 519, one base deleted (T; older notation c.519delT).
Protein change: p.Gln174fs; shifts the reading frame from glutamine 174.
Molecular consequence: frameshift variant. On other transcripts: non-coding transcript variant (1).
Genome position (GRCh38, 1-based): chr17:43,099,803, A deleted on the plus strand (T on the coding strand, the reverse complement: BRCA1 is on the minus strand). VCF-style (leftmost placement, unchanged base first): chr17-43099802-GA-G. GRCh37 (hg19) VCF-style: chr17-41251819-GA-G.
Other names: c.516delT, p.Gln173Lysfs (NM_001407689.1, NM_001407690.1, NM_001407691.1 and 65 more transcripts); c.378delT, p.Gln127Lysfs (NM_001407692.1, NM_001407694.1, NM_001407695.1 and 60 more transcripts); c.375delT, p.Gln126Lysfs (NM_001407740.1, NM_001407741.1, NM_001407742.1 and 35 more transcripts); c.306delT, p.Gln103Lysfs (NM_001407853.1, NM_001407894.1, NM_001407895.1 and 18 more transcripts); c.519delT, p.Gln174Lysfs (NM_001407854.1, NM_001407858.1, NM_001407859.1 and 95 more transcripts); c.441delT, p.Gln148Lysfs (NM_001407862.1, NM_001408409.1, NM_001408411.1 and 12 more transcripts); c.438delT, p.Gln147Lysfs (NM_001407874.1, NM_001407875.1, NM_001408413.1 and 6 more transcripts); c.309delT, p.Gln104Lysfs (NM_001407879.1, NM_001407881.1, NM_001407882.1 and 37 more transcripts); and 6 more; short protein forms Q127fs, Q174fs.
Identifiers: ClinVar variation 224417 (VCV000224417.3), dbSNP rs886037784, ClinGen allele CA10575953.